The following is an entry in ClinVar:

ClinVar aggregate classification (germline): Conflicting classifications of pathogenicity. Review status: criteria provided, conflicting classifications (1 of 4 stars). 18 submissions from 17 submitters: Uncertain significance (2); Benign (4); Likely benign (7). 5 of the submissions do not count toward it. Last evaluated 2026-02-03.

Conditions:
Cardiac arrhythmia. Also called: Arrhythmia; Cardiac rhythm disease. Identifiers: MedGen C0003811, MONDO:0007263, HP:0011675.
Naxos disease (NXD). Also called: KERATOSIS PALMOPLANTARIS WITH ARRHYTHMOGENIC CARDIOMYOPATHY; MAL DE NAXOS; PALMOPLANTAR KERATODERMA WITH ARRHYTHMOGENIC RIGHT VENTRICULAR CARDIOMYOPATHY AND WOOLLY HAIR; WOOLLY HAIR, PALMOPLANTAR KERATODERMA, AND CARDIAC ABNORMALITIES; CARDIOMYOPATHY, ARRHYTHMOGENIC RIGHT VENTRICULAR, WITH SKIN, HAIR, AND NAIL ABNORMALITIES. Identifiers: Orphanet 34217, MedGen C1832600, MONDO:0011017, OMIM 601214.
Arrhythmogenic right ventricular dysplasia 12. Also called: ARRHYTHMOGENIC RIGHT VENTRICULAR DYSPLASIA, FAMILIAL, 12. Identifiers: MedGen C1969081, MONDO:0012684, OMIM 611528.
Arrhythmogenic right ventricular cardiomyopathy (ARVD). Also called: Arrhythmogenic right ventricular dysplasia; Arrhythmogenic cardiomyopathy; Arrhythmogenic Right Ventricular Cardiomyopathy (ARVC); Cardiomyopathy, ARVC. Identifiers: Orphanet 247, MedGen C0349788, MeSH D019571, MONDO:0016587. Disease mechanism: loss of function. Inheritance: Various modes of inheritance.
Cardiomyopathy (CMYO). Also called: Cardiomyopathies. Identifiers: Orphanet 167848, MedGen C0878544, MONDO:0004994, HP:0001638. Inheritance: Various modes of inheritance.

Allele frequency attached by ClinVar (database versions not stated): 1000 Genomes Project 30x 0.00016; TOPMed 0.00111; ESP Exome Variant Server 0.00138.
gnomAD v4.1: 2,074 of 1,613,530 alleles (0.13%); highest among the groups gnomAD compares: Middle Eastern, 2.1%; 18 homozygotes.

Submissions (18):

Labcorp Genetics (formerly Invitae), Labcorp
Classification: Likely benign for Arrhythmogenic right ventricular dysplasia 12; Naxos disease. Last evaluated: 2026-02-03. Review status: criteria provided, single submitter. Criteria: Invitae Variant Classification Sherloc (09022015). Collection method: clinical testing. Allele origin: germline.

Genomic Medicine Center of Excellence, King Faisal Specialist Hospital and Research Centre
Classification: Likely benign for Arrhythmogenic right ventricular dysplasia 12. Last evaluated: 2025-07-30. Review status: criteria provided, single submitter. Criteria: ACMG Guidelines, 2015. Collection method: clinical testing. Allele origin: germline.

CeGaT Center for Human Genetics Tuebingen
Classification: Likely benign. Last evaluated: 2025-05-01. Review status: criteria provided, single submitter. Criteria: CeGaT Center For Human Genetics Tuebingen Variant Classification Criteria Version 2. Collection method: clinical testing. Allele origin: germline. Affected: yes. Observed: 5 variant alleles.
Comment: JUP: BP4, BS2

Molecular Diagnostic Laboratory for Inherited Cardiovascular Disease, Montreal Heart Institute
Classification: Likely benign. Last evaluated: 2025-04-09. Review status: criteria provided, single submitter. Criteria: ACMG Guidelines, 2015. Collection method: clinical testing. Allele origin: germline. Affected: no.

ARUP Laboratories, Molecular Genetics and Genomics, ARUP Laboratories
Classification: Benign. Last evaluated: 2025-03-10. Review status: criteria provided, single submitter. Criteria: ARUP Molecular Germline Variant Investigation Process 2024. Collection method: clinical testing. Allele origin: germline.

Blueprint Genetics
Classification: Likely benign. Last evaluated: 2024-11-18. Review status: criteria provided, single submitter. Criteria: ACMG Guidelines, 2015. Collection method: clinical testing. Allele origin: germline.

CHEO Genetics Diagnostic Laboratory, Children's Hospital of Eastern Ontario
Classification: Benign for Cardiomyopathy. Last evaluated: 2019-11-13. Review status: criteria provided, single submitter. Criteria: ACMG Guidelines, 2015. Collection method: clinical testing. Allele origin: germline.

Center for Advanced Laboratory Medicine, UC San Diego Health, University of California San Diego
Classification: Benign for Arrhythmogenic right ventricular cardiomyopathy. Last evaluated: 2019-03-25. Review status: criteria provided, single submitter. Criteria: ACMG Guidelines, 2015. Collection method: clinical testing. Allele origin: germline. Affected: yes. Observed: 1 variant allele.

Illumina Laboratory Services, Illumina
Classification: Uncertain significance for Arrhythmogenic right ventricular dysplasia 12. Last evaluated: 2018-01-13. Review status: criteria provided, single submitter. Criteria: ICSL Variant Classification Criteria 13 December 2019. Collection method: clinical testing. Allele origin: germline.

Illumina Laboratory Services, Illumina
Classification: Uncertain significance for Naxos disease. Last evaluated: 2018-01-13. Review status: criteria provided, single submitter. Criteria: ICSL Variant Classification Criteria 13 December 2019. Collection method: clinical testing. Allele origin: germline.

Laboratory for Molecular Medicine, Mass General Brigham Personalized Medicine
Classification: Likely benign. Last evaluated: 2015-05-14. Review status: criteria provided, single submitter. Criteria: LMM Criteria. Collection method: clinical testing. Allele origin: germline. Observed: 7 variant alleles.
Comment: c.909+6C>T in exon 5 of JUP: This variant is not expected to have clinical signi ficance because it has been identified in 0.3% (184/66606) of European chromosom es, including 2 homozygous occurrences, by the Exome Aggregation Consortium (ExA C; dbSNP rs193922705).

Eurofins Ntd Llc (ga)
Classification: Likely benign. Last evaluated: 2015-01-14. Review status: criteria provided, single submitter. Criteria: EGL Classification Definitions 2015. Collection method: clinical testing. Allele origin: germline. Observed: 1 variant allele, 1 heterozygote.

GeneDx
Classification: Benign. Last evaluated: 2013-07-15. Review status: criteria provided, single submitter. Criteria: GeneDx Variant Classification (06012015). Collection method: clinical testing. Allele origin: germline. Affected: yes.
Comment: This variant is considered likely benign or benign based on one or more of the following criteria: it is a conservative change, it occurs at a poorly conserved position in the protein, it is predicted to be benign by multiple in silico algorithms, and/or has population frequency not consistent with disease.

Women's Health and Genetics/Laboratory Corporation of America, LabCorp
Classification: Benign for Arrhythmia. Last evaluated: 2015-03-25. Review status: no assertion criteria provided. Collection method: clinical testing. Allele origin: germline. Not counted in ClinVar's aggregate classification.

Clinical Genetics DNA and cytogenetics Diagnostics Lab, Erasmus MC, Erasmus Medical Center
Classification: Likely benign. Review status: no assertion criteria provided. Collection method: clinical testing. Allele origin: germline. Affected: yes. Study: VKGL Data-share Consensus. Not counted in ClinVar's aggregate classification.

Clinical Genetics, Academic Medical Center
Classification: Benign. Review status: no assertion criteria provided. Collection method: clinical testing. Allele origin: germline. Affected: yes. Study: VKGL Data-share Consensus. Not counted in ClinVar's aggregate classification.

Diagnostic Laboratory, Department of Genetics, University Medical Center Groningen
Classification: Likely benign. Review status: no assertion criteria provided. Collection method: clinical testing. Allele origin: germline. Affected: yes. Study: VKGL Data-share Consensus. Not counted in ClinVar's aggregate classification.

Genome Diagnostics Laboratory, University Medical Center Utrecht
Classification: Likely benign. Review status: no assertion criteria provided. Collection method: clinical testing. Allele origin: germline. Affected: yes. Study: VKGL Data-share Consensus. Not counted in ClinVar's aggregate classification.

NM_002230.4(JUP):c.909+6C>T

Gene: JUP (junction plakoglobin; minus strand). Cytogenetic location: 17q21.2.
Variant type: single nucleotide variant.
Coding change: c.909+6C>T on transcript NM_002230.4 (MANE Select); 6 bases into the intron after coding-DNA position 909, C replaced by T.
Molecular consequence: intron variant.
Genome position (GRCh38, 1-based): chr17:41,767,373, G>A on the plus strand (C>T on the coding strand, the complement: JUP is on the minus strand). VCF-style: chr17-41767373-G-A. GRCh37 (hg19) VCF-style: chr17-39923625-G-A.
Other names: c.909+6C>T (NM_001352774.2, NM_021991.4, NM_001352776.2 and 4 more transcripts).
Identifiers: ClinVar variation 36426 (VCV000036426.111), dbSNP rs193922705, ClinGen allele CA137250.